The following is an entry in ClinVar:

ClinVar aggregate classification (germline): Conflicting classifications of pathogenicity. Review status: criteria provided, conflicting classifications (1 of 4 stars). 7 submissions from 7 submitters: Uncertain significance (4); Likely benign (1). 2 of the submissions do not count toward it. Last evaluated 2025-07-31.

Conditions:
Hereditary cancer-predisposing syndrome. Also called: Neoplastic Syndromes, Hereditary; Hereditary Cancer Syndrome; Hereditary neoplastic syndrome; Tumor predisposition. Identifiers: Orphanet 140162, MedGen C0027672, MeSH D009386, MONDO:0015356.
Microcephaly, normal intelligence and immunodeficiency (NBS). Also called: Immunodeficiency, microcephaly with normal intelligence; SEEMANOVA SYNDROME II; Nijmegen breakage syndrome; Microcephaly with normal intelligence immunodeficiency and lymphoreticular malignancies; Nonsyndromal microcephaly autosomal recessive with normal intelligence; Seemanova syndrome 2. Identifiers: Orphanet 647, MedGen C0398791, MONDO:0009623, OMIM 251260.
Malignant tumor of breast. Also called: Malignant breast neoplasm; Cancer breast. Identifiers: MedGen C0006142, MONDO:0007254. Disease mechanism: loss of function.

Allele frequency attached by ClinVar (database versions not stated): ExAC 0.00001; gnomAD exomes 0.00001 and 0.00002; TOPMed 0.00001.
gnomAD v4.1: 7 of 1,613,674 alleles (0.00043%); highest among the groups gnomAD compares: Admixed American, 0.0033%; no homozygotes.

Submissions (7):

Labcorp Genetics (formerly Invitae), Labcorp
Classification: Uncertain significance for Microcephaly, normal intelligence and immunodeficiency. Last evaluated: 2025-07-31. Review status: criteria provided, single submitter. Criteria: Invitae Variant Classification Sherloc (09022015). Collection method: clinical testing. Allele origin: germline.
Comment: This sequence change replaces isoleucine, which is neutral and non-polar, with valine, which is neutral and non-polar, at codon 531 of the NBN protein (p.Ile531Val). This variant is present in population databases (rs587782330, gnomAD 0.007%). This missense change has been observed in individual(s) with breast cancer (PMID: 30287823). ClinVar contains an entry for this variant (Variation ID: 142242). An algorithm developed to predict the effect of missense changes on protein structure and function (PolyPhen-2) suggests that this variant is likely to be tolerated. In summary, the available evidence is currently insufficient to determine the role of this variant in disease. Therefore, it has been classified as a Variant of Uncertain Significance.

Ambry Genetics
Classification: Likely benign for Hereditary cancer-predisposing syndrome. Last evaluated: 2024-02-01. Review status: criteria provided, single submitter. Criteria: Ambry Variant Classification Scheme 2023. Collection method: clinical testing. Allele origin: germline.

Mendelics
Classification: Uncertain significance for Microcephaly, normal intelligence and immunodeficiency. Last evaluated: 2023-06-02. Review status: criteria provided, single submitter. Criteria: Mendelics Assertion Criteria 2017. Collection method: clinical testing. Allele origin: unknown.

Genome-Nilou Lab
Classification: Uncertain significance for Microcephaly, normal intelligence and immunodeficiency. Last evaluated: 2021-11-07. Review status: criteria provided, single submitter. Criteria: ACMG Guidelines, 2015. Collection method: clinical testing. Allele origin: germline. Affected: no.

Women's Health and Genetics/Laboratory Corporation of America, LabCorp
Classification: Uncertain significance. Last evaluated: 2021-10-15. Review status: criteria provided, single submitter. Criteria: LabCorp Variant Classification Summary - May 2015. Collection method: clinical testing. Allele origin: germline.
Comment: Variant summary: NBN c.1591A>G (p.Ile531Val) results in a conservative amino acid change in the encoded protein sequence. Five of five in-silico tools predict a benign effect of the variant on protein function. The variant allele was found at a frequency of 2.4e-05 in 251020 control chromosomes. The available data on variant occurrences in the general population are insufficient to allow any conclusion about variant significance. These report(s) do not provide unequivocal conclusions about association of the variant with Nijmegen Breakage Syndrome. To our knowledge, no experimental evidence demonstrating an impact on protein function has been reported. Five clinical diagnostic laboratories have submitted clinical-significance assessments for this variant to ClinVar after 2014 without evidence for independent evaluation (VUS, n=4, likely benign, n=1). Based on the evidence outlined above, the variant was classified as uncertain significance.

Natera, Inc.
Classification: Uncertain significance for Nijmegen breakage syndrome. Last evaluated: 2020-09-16. Review status: no assertion criteria provided. Collection method: clinical testing. Allele origin: germline. Not counted in ClinVar's aggregate classification.

Department of Pathology and Laboratory Medicine, Sinai Health System
Classification: Uncertain significance for Malignant tumor of breast. Review status: no assertion criteria provided. Collection method: clinical testing. Allele origin: unknown. Affected: yes. Study: The Canadian Open Genetics Repository (COGR). Not counted in ClinVar's aggregate classification.
Comment: The NBN p.Ile531Val variant was identified in 1 of 72 proband chromosomes (frequency: 0.01) from individuals or families with a personal and/or family history of cancer (Cabanillas 2017). The variant was also identified in dbSNP (ID: rs587782330) â€šÃ„ÃºWith Uncertain significance alleleâ€šÃ„Ã¹, ClinVar (classified uncertain significance by Ambry Genetics, Invitae and Color Genomics Inc.), and Clinvitae (2x), and was not identified in Cosmic, LOVD 3.0, or Zhejiang Colon Cancer Database. The variant was identified in control databases in 6 of 245818 chromosomes at a frequency of 0.00002 (Genome Aggregation Database Feb 27, 2017). It was observed in the following populations: â€šÃ„ÃºOtherâ€šÃ„Ã¹ in 1 of 5474 chromosomes (freq: 0.0002), Latino in 1 of 33568 chromosomes (freq: 0.00003), European Non-Finnish in 2 of 111370 chromosomes (freq: 0.00002), and South Asian in 2 of 30766 chromosomes (freq: 0.00007); it not observed in the African, Ashkenazi Jewish, East Asian and European Finnish populations. The p.Ile531 residue is not conserved in mammals and computational analyses (PolyPhen-2, SIFT, AlignGVGD, BLOSUM, MutationTaster) do not suggest a high likelihood the variant Val impacts the protein; however, this information is not predictive enough to rule out pathogenicity. The variant occurs outside of the splicing consensus sequence and in silico or computational prediction software programs (SpliceSiteFinder, MaxEntScan, NNSPLICE, GeneSplicer, HumanSpliceFinder) do not predict a difference in splicing. In summary, based on the above information the clinical significance of this variant cannot be determined with certainty at this time. This variant is classified as a variant of uncertain significance.

Literature cited by the submitters: PubMed 30287823 (cited by 3 submitters); PubMed 28717660 (cited by Ambry Genetics and Women's Health and Genetics/Laboratory Corporation of America, LabCorp); PubMed 33471991 (cited by Ambry Genetics).

NM_002485.5(NBN):c.1591A>G (p.Ile531Val)

Gene: NBN (nibrin; minus strand). Cytogenetic location: 8q21.3.
Variant type: single nucleotide variant.
Coding change: c.1591A>G on transcript NM_002485.5 (MANE Select); coding-DNA position 1591, A replaced by G.
Protein change: p.Ile531Val; replaces isoleucine 531 with valine.
Molecular consequence: missense variant.
Genome position (GRCh38, 1-based): chr8:89,953,498, T>C on the plus strand (A>G on the coding strand, the complement: NBN is on the minus strand). VCF-style: chr8-89953498-T-C. GRCh37 (hg19) VCF-style: chr8-90965726-T-C.
Other names: c.1345A>G, p.Ile449Val (NM_001024688.3); short protein forms I531V, I449V.
Identifiers: ClinVar variation 142242 (VCV000142242.26), dbSNP rs587782330, ClinGen allele CA167864.